The following is an entry in ClinVar:

NM_006734.4(HIVEP2):c.870G>A (p.Glu290=)

Gene: HIVEP2 (HIVEP zinc finger 2; minus strand). Cytogenetic location: 6q24.2.
Variant type: single nucleotide variant.
Coding change: c.870G>A on transcript NM_006734.4 (MANE Select); coding-DNA position 870, G replaced by A.
Protein change: p.Glu290=; no amino-acid change (glutamic acid 290 retained).
Molecular consequence: synonymous variant.
Genome position (GRCh38, 1-based): chr6:142,773,869, C>T on the plus strand (G>A on the coding strand, the complement: HIVEP2 is on the minus strand). VCF-style: chr6-142773869-C-T. GRCh37 (hg19) VCF-style: chr6-143095006-C-T.
Identifiers: ClinVar variation 2673083 (VCV002673083.26), dbSNP rs769206193, ClinGen allele CA4028685.

ClinVar aggregate classification (germline): Likely benign. Review status: criteria provided, multiple submitters, no conflicts (2 of 4 stars). 2 submissions from 2 submitters: Likely benign (2). Last evaluated 2024-12-14.

Allele frequency attached by ClinVar (database versions not stated): ExAC 0.00001; gnomAD exomes 0.00001.
gnomAD v4.1: 4 of 1,613,588 alleles (0.00025%); highest among the groups gnomAD compares: Non-Finnish European, 0.00034%; no homozygotes.

Submissions (2):

Labcorp Genetics (formerly Invitae), Labcorp
Classification: Likely benign. Last evaluated: 2024-12-14. Review status: criteria provided, single submitter. Criteria: Invitae Variant Classification Sherloc (09022015). Collection method: clinical testing. Allele origin: germline.

CeGaT Center for Human Genetics Tuebingen
Classification: Likely benign. Last evaluated: 2023-11-01. Review status: criteria provided, single submitter. Criteria: CeGaT Center For Human Genetics Tuebingen Variant Classification Criteria Version 2. Collection method: clinical testing. Allele origin: germline. Affected: yes. Observed: 1 variant allele.
Comment: HIVEP2: PM2:Supporting, BP4, BP7